The following is an entry in ClinVar:

ClinVar aggregate classification (germline): Uncertain significance (1 of 4 stars; one submission).

Conditions:
Cutis laxa, autosomal dominant 3 (ADCL3). Identifiers: Orphanet 90348, MedGen C4225268, MONDO:0014706, OMIM 616603.
Autosomal dominant spastic paraplegia type 9. Identifiers: MedGen C1832669, MONDO:0015091.
de Barsy syndrome. Also called: Cutis laxa-corneal clouding-oligophrenia syndrome. Identifiers: Orphanet 2962, MedGen C0268354, MONDO:0017569.

Allele frequency attached by ClinVar (database versions not stated): gnomAD 0.00001.
gnomAD v4.1: 2 of 1,613,808 alleles (0.00012%); highest among the groups gnomAD compares: Admixed American, 0.0017%; no homozygotes.

Submission:

Labcorp Genetics (formerly Invitae), Labcorp
Classification: Uncertain significance for Autosomal dominant spastic paraplegia type 9; de Barsy syndrome; Cutis laxa, autosomal dominant 3. Last evaluated: 2024-01-08. Review status: criteria provided, single submitter. Criteria: Invitae Variant Classification Sherloc (09022015). Collection method: clinical testing. Allele origin: germline.
Comment: This sequence change affects codon 85 of the ALDH18A1 mRNA. It is a 'silent' change, meaning that it does not change the encoded amino acid sequence of the ALDH18A1 protein. This variant is not present in population databases (gnomAD no frequency). This variant has not been reported in the literature in individuals affected with ALDH18A1-related conditions. Algorithms developed to predict the effect of sequence changes on RNA splicing suggest that this variant may create or strengthen a splice site. In summary, the available evidence is currently insufficient to determine the role of this variant in disease. Therefore, it has been classified as a Variant of Uncertain Significance.

NM_002860.4(ALDH18A1):c.255G>T (p.Gly85=)

Gene: ALDH18A1 (aldehyde dehydrogenase 18 family member A1; minus strand). Cytogenetic location: 10q24.1.
Variant type: single nucleotide variant.
Coding change: c.255G>T on transcript NM_002860.4 (MANE Select); coding-DNA position 255, G replaced by T.
Protein change: p.Gly85=; no amino-acid change (glycine 85 retained).
Molecular consequence: synonymous variant. On other transcripts: intron variant (4).
Genome position (GRCh38, 1-based): chr10:95,643,040, C>A on the plus strand (G>T on the coding strand, the complement: ALDH18A1 is on the minus strand). VCF-style: chr10-95643040-C-A. GRCh37 (hg19) VCF-style: chr10-97402797-C-A.
Other names: c.255G>T, p.Gly85= (NM_001017423.2, NM_001323413.2, NM_001323414.2 and 2 more transcripts); c.-78-9391G>T (NM_001323419.2); c.-30-5604G>T (NM_001323412.2, NM_001323418.2, NM_001323416.2).
Identifiers: ClinVar variation 2950474 (VCV002950474.3), dbSNP rs2097894802, ClinGen allele CA471032127.